The following is an entry in ClinVar:

ClinVar aggregate classification (germline): Benign/Likely benign. Review status: criteria provided, multiple submitters, no conflicts (2 of 4 stars). 3 submissions from 3 submitters: Benign (1); Likely benign (2). Last evaluated 2026-03-01.

Allele frequency attached by ClinVar (database versions not stated): 1000 Genomes Project 0.00140; 1000 Genomes Project 30x 0.00187; gnomAD exomes 0.00303 and 0.00545; TOPMed 0.00329; gnomAD 0.00342; ESP Exome Variant Server 0.00377; ExAC 0.00798.
gnomAD v4.1: 8,202 of 1,572,282 alleles (0.52%); highest among the groups gnomAD compares: Non-Finnish European, 0.65%; 23 homozygotes.

Submissions (3):

CeGaT Center for Human Genetics Tuebingen
Classification: Likely benign. Last evaluated: 2026-03-01. Review status: criteria provided, single submitter. Criteria: CeGaT Center For Human Genetics Tuebingen Variant Classification Criteria Version 2. Collection method: clinical testing. Allele origin: germline. Affected: yes. Observed: 29 variant alleles.
Comment: ADAT3: BP4, BP7, BS2; SCAMP4: BS2

Blueprint Genetics
Classification: Likely benign. Last evaluated: 2024-11-15. Review status: criteria provided, single submitter. Criteria: ACMG Guidelines, 2015. Collection method: clinical testing. Allele origin: germline.

Labcorp Genetics (formerly Invitae), Labcorp
Classification: Benign. Last evaluated: 2019-12-31. Review status: criteria provided, single submitter. Criteria: Invitae Variant Classification Sherloc (09022015). Collection method: clinical testing. Allele origin: germline.

NM_138422.4(ADAT3):c.117G>A (p.Pro39=)

Genes: ADAT3 (adenosine deaminase tRNA specific 3; plus strand), SCAMP4 (secretory carrier membrane protein 4; plus strand). Cytogenetic location: 19p13.3.
Variant type: single nucleotide variant.
Coding change: c.117G>A on transcript NM_138422.4 (MANE Select); coding-DNA position 117, G replaced by A.
Protein change: p.Pro39=; no amino-acid change (proline 39 retained).
Molecular consequence: synonymous variant. On other transcripts: intron variant (3).
Genome position (GRCh38, 1-based): chr19:1,912,164, G>A. VCF-style: chr19-1912164-G-A. GRCh37 (hg19) VCF-style: chr19-1912163-G-A.
Other names: c.69G>A, p.Pro23= (NM_001329533.2); c.-41-2815G>A (NM_079834.4, NM_001329540.2); c.-125-5530G>A (NM_001329539.2).
Identifiers: ClinVar variation 718244 (VCV000718244.39), dbSNP rs199915192, ClinGen allele CA9054493.